The following is an entry in ClinVar:

ClinVar aggregate classification (germline): Pathogenic (1 of 4 stars; one submission).

Conditions:
Neurofibromatosis, type 1 (NF1). Also called: VON RECKLINGHAUSEN DISEASE; Peripheral type neurofibromatosis; NEUROFIBROMATOSIS, TYPE I, SOMATIC; Neurofibromatosis, type I. Identifiers: Orphanet 636, MedGen C0027831, MONDO:0018975, OMIM 162200. Disease mechanism: loss of function.

Submission:

Labcorp Genetics (formerly Invitae), Labcorp
Classification: Pathogenic for Neurofibromatosis, type 1. Last evaluated: 2025-02-19. Review status: criteria provided, single submitter. Criteria: Invitae Variant Classification Sherloc (09022015). Collection method: clinical testing. Allele origin: germline.
Comment: This sequence change affects a donor splice site in intron 46 of the NF1 gene. It is expected to disrupt RNA splicing. Variants that disrupt the donor or acceptor splice site typically lead to a loss of protein function (PMID: 16199547), and loss-of-function variants in NF1 are known to be pathogenic (PMID: 10712197, 23913538). This variant is not present in population databases (gnomAD no frequency). Disruption of this splice site has been observed in individual(s) with neurofibromatosis type 1 (PMID: 18546366, 28961165). In at least one individual the variant was observed to be de novo. Algorithms developed to predict the effect of sequence changes on RNA splicing suggest that this variant may disrupt the consensus splice site. For these reasons, this variant has been classified as Pathogenic.

Literature cited by the submitters: PubMed 16199547; PubMed 10712197; PubMed 23913538; PubMed 18546366; PubMed 28961165.

NM_001042492.3(NF1):c.7062+2T>A

Gene: NF1 (neurofibromin 1; plus strand). Cytogenetic location: 17q11.2.
Variant type: single nucleotide variant.
Coding change: c.7062+2T>A on transcript NM_001042492.3 (MANE Select); the canonical splice donor site of the intron after coding-DNA position 7062, T replaced by A.
Molecular consequence: splice donor variant.
Genome position (GRCh38, 1-based): chr17:31,340,647, T>A. VCF-style: chr17-31340647-T-A. GRCh37 (hg19) VCF-style: chr17-29667665-T-A.
Other names: c.6999+2T>A (NM_000267.4).
Identifiers: ClinVar variation 4710367 (VCV004710367.1).